The following is an entry in ClinVar:

NM_018972.4(GDAP1):c.829G>C (p.Glu277Gln)

Gene: GDAP1 (ganglioside induced differentiation associated protein 1; plus strand). Cytogenetic location: 8q21.11.
Variant type: single nucleotide variant.
Coding change: c.829G>C on transcript NM_018972.4 (MANE Select); coding-DNA position 829, G replaced by C.
Protein change: p.Glu277Gln; replaces glutamic acid 277 with glutamine.
Molecular consequence: missense variant. On other transcripts: intron variant (1).
Genome position (GRCh38, 1-based): chr8:74,364,119, G>C. VCF-style: chr8-74364119-G-C. GRCh37 (hg19) VCF-style: chr8-75276354-G-C.
Other names: c.625G>C, p.Glu209Gln (NM_001040875.4); c.502G>C, p.Glu168Gln (NM_001362929.2, NM_001362932.2); c.655G>C, p.Glu219Gln (NM_001362930.2); c.694+1066G>C (NM_001362931.2); short protein forms E168Q, E209Q, E219Q, E277Q.
Identifiers: ClinVar variation 1762804 (VCV001762804.2), dbSNP rs2536750386, ClinGen allele CA371550342.

ClinVar aggregate classification (germline): Uncertain significance (1 of 4 stars; one submission).

Conditions:
Inborn genetic diseases. Identifiers: MedGen C0950123, MeSH D030342.

gnomAD v4.1: 11 of 1,614,174 alleles (0.00068%); highest among the groups gnomAD compares: African/African-American, 0.0013%; no homozygotes.

Submission:

Ambry Genetics
Classification: Uncertain significance for Inborn genetic diseases. Last evaluated: 2020-12-02. Review status: criteria provided, single submitter. Criteria: Ambry Variant Classification Scheme 2023. Collection method: clinical testing. Allele origin: germline.
Comment: The p.E277Q variant (also known as c.829G>C), located in coding exon 6 of the GDAP1 gene, results from a G to C substitution at nucleotide position 829. The glutamic acid at codon 277 is replaced by glutamine, an amino acid with highly similar properties. This amino acid position is well conserved in available vertebrate species; however, glutamine is the reference amino acid in other vertebrate species. In addition, the in silico prediction for this alteration is inconclusive. Since supporting evidence is limited at this time, the clinical significance of this alteration remains unclear.